The following is an entry in ClinVar:

ClinVar aggregate classification (somatic clinical impact): Tier I - Strong (1 of 4 stars; one submission).

Conditions:
Desmoplastic infantile ganglioglioma. Identifiers: MedGen C1321878, MONDO:0022965.

Submission:

Institute for Genomic Medicine (IGM) Clinical Laboratory, Nationwide Children's Hospital
Classification: Tier I - Strong for Desmoplastic infantile ganglioglioma. Assertion type: diagnostic. Clinical significance: supports diagnosis. Last evaluated: 2023-11-10. Review status: criteria provided, single submitter. Criteria: AMP/ASCO/CAP Guidelines, 2017. Collection method: clinical testing. Allele origin: somatic. Affected: yes.
Comment: Variant has Tier I (strong) clinical significance as a diagnostic inclusion criterion in desmoplastic infantile ganglioglioma, based on the following evidence: 1) Documented in one or more cancer databases (e.g., St. Jude Pecan, COSMIC, CIViC, OncoKB). 2) Appears in one or more well-established professional guidelines (e.g., World Health Organization [WHO]; National Comprehensive Cancer Network [NCCN]) as providing diagnostic, prognostic, or therapeutic information. 3) Diagnostic for a specific tumor type/classification according to professional guidelines (Evidence Level A; PMIDs: 31562743, 23822828, 30006355, 27860162, 29902580, 31554817, 32238360).

Literature cited by the submitters: PubMed 31562743; PubMed 23822828; PubMed 30006355; PubMed 27860162; PubMed 29902580; PubMed 31554817; PubMed 32238360.

NM_004333.6(BRAF):c.1799_1810delinsACCAAACTGATG (p.Val600_Trp604delinsAspGlnThrAspGly)

Gene: BRAF (B-Raf proto-oncogene, serine/threonine kinase; minus strand). Cytogenetic location: 7q34.
Variant type: Indel.
Coding change: c.1799_1810delinsACCAAACTGATG on transcript NM_004333.6 (MANE Select); coding-DNA positions 1799 to 1810, TGAAATCTCGAT replaced by ACCAAACTGATG.
Protein change: p.Val600_Trp604delinsAspGlnThrAspGly.
Molecular consequence: missense variant.
Genome position (GRCh38, 1-based): chr7:140,753,325-140,753,336, ATCGAGATTTCA replaced by CATCAGTTTGGT on the plus strand (TGAAATCTCGAT replaced by ACCAAACTGATG on the coding strand, the reverse complement: BRAF is on the minus strand). VCF-style: chr7-140753325-ATCGAGATTTCA-CATCAGTTTGGT. GRCh37 (hg19) VCF-style: chr7-140453125-ATCGAGATTTCA-CATCAGTTTGGT.
Other names: c.1799_1810delinsACCAAACTGATG, p.Val600_Trp604delinsAspGlnThrAspGly (NM_001354609.2, NM_001378468.1, NM_001378474.1); c.1919_1930delinsACCAAACTGATG, p.Val640_Trp644delinsAspGlnThrAspGly (NM_001374244.1, NM_001374258.1); c.1808_1819delinsACCAAACTGATG, p.Val603_Trp607delinsAspGlnThrAspGly (NM_001378467.1); c.1733_1744delinsACCAAACTGATG, p.Val578_Trp582delinsAspGlnThrAspGly (NM_001378469.1); c.1697_1708delinsACCAAACTGATG, p.Val566_Trp570delinsAspGlnThrAspGly (NM_001378470.1); c.1688_1699delinsACCAAACTGATG, p.Val563_Trp567delinsAspGlnThrAspGly (NM_001378471.1); c.1643_1654delinsACCAAACTGATG, p.Val548_Trp552delinsAspGlnThrAspGly (NM_001378472.1, NM_001378473.1); c.1535_1546delinsACCAAACTGATG, p.Val512_Trp516delinsAspGlnThrAspGly (NM_001378475.1).
Identifiers: ClinVar variation 4530171 (VCV004530171.1).
Genomic context (GRCh38, chr7:140,753,325, plus strand): 5'-CAATTCTTACCATCCACAAAATGGATCCAGACAACTGTTCAAACTGATGGGACCCACTCC[ATCGAGATTTCA>CATCAGTTTGGT]CTGTAGCTAGACCAAAATCACCTATTTTTACTGTGAGGTCTTCATGAAGAAATATATCTG-3'